The following is an entry in ClinVar:

NM_182961.4(SYNE1):c.647T>C (p.Val216Ala)

Gene: SYNE1 (spectrin repeat containing nuclear envelope protein 1; minus strand). Cytogenetic location: 6q25.2.
Variant type: single nucleotide variant.
Coding change: c.647T>C on transcript NM_182961.4 (MANE Select); coding-DNA position 647, T replaced by C.
Protein change: p.Val216Ala; replaces valine 216 with alanine.
Molecular consequence: missense variant.
Genome position (GRCh38, 1-based): chr6:152,505,332, A>G on the plus strand (T>C on the coding strand, the complement: SYNE1 is on the minus strand). VCF-style: chr6-152505332-A-G. GRCh37 (hg19) VCF-style: chr6-152826467-A-G.
Other names: c.668T>C, p.Val223Ala (NM_033071.5); short protein forms V216A, V223A.
Identifiers: ClinVar variation 595718 (VCV000595718.10), dbSNP rs1564513288, ClinGen allele CA366148963.

ClinVar aggregate classification (germline): Uncertain significance. Review status: criteria provided, multiple submitters, no conflicts (2 of 4 stars). 2 submissions from 2 submitters: Uncertain significance (2). Last evaluated 2021-10-19.

Conditions:
Emery-Dreifuss muscular dystrophy 4, autosomal dominant (EDMD4). Also called: EMERY-DREIFUSS MUSCULAR DYSTROPHY 4 WITH VARIABLE FEATURES. Identifiers: Orphanet 261, MedGen C2751807, MONDO:0013071, OMIM 612998.
Autosomal recessive ataxia, Beauce type. Also called: SYNE1-Related Autosomal Recessive Cerebellar Ataxia; Spinocerebellar ataxia, autosomal recessive 8; ATAXIA, RECESSIVE, OF BEAUCE; SYNE1 Deficiency. Identifiers: Orphanet 88644, MedGen C1853116, MONDO:0012549, OMIM 610743.

Submissions (2):

Labcorp Genetics (formerly Invitae), Labcorp
Classification: Uncertain significance for Emery-Dreifuss muscular dystrophy 4, autosomal dominant; Autosomal recessive ataxia, Beauce type. Last evaluated: 2021-10-19. Review status: criteria provided, single submitter. Criteria: Invitae Variant Classification Sherloc (09022015). Collection method: clinical testing. Allele origin: germline.
Comment: In summary, the available evidence is currently insufficient to determine the role of this variant in disease. Therefore, it has been classified as a Variant of Uncertain Significance. Algorithms developed to predict the effect of missense changes on protein structure and function are either unavailable or do not agree on the potential impact of this missense change (SIFT: "Deleterious"; PolyPhen-2: "Possibly Damaging"; Align-GVGD: "Class C0"). ClinVar contains an entry for this variant (Variation ID: 595718). This variant has not been reported in the literature in individuals affected with SYNE1-related conditions. This variant is not present in population databases (ExAC no frequency). This sequence change replaces valine with alanine at codon 223 of the SYNE1 protein (p.Val223Ala). The valine residue is moderately conserved and there is a small physicochemical difference between valine and alanine.

Eurofins Ntd Llc (ga)
Classification: Uncertain significance. Last evaluated: 2018-01-09. Review status: criteria provided, single submitter. Criteria: EGL Classification Definitions 2015. Collection method: clinical testing. Allele origin: germline. Observed: 1 variant allele, 1 heterozygote.